The following is an entry in ClinVar:

NM_022455.5(NSD1):c.5425C>T (p.Gln1809Ter)

Genes: NSD1 (nuclear receptor binding SET domain protein 1; plus strand), LOC126807619 (MED14-independent group 3 enhancer GRCh37_chr5:176696443-176697642; plus strand). Cytogenetic location: 5q35.3.
Variant type: single nucleotide variant.
Coding change: c.5425C>T on transcript NM_022455.5 (MANE Select); coding-DNA position 5425, C replaced by T.
Protein change: p.Gln1809Ter; replaces glutamine 1809 with a stop codon.
Molecular consequence: nonsense.
Genome position (GRCh38, 1-based): chr5:177,269,723, C>T. VCF-style: chr5-177269723-C-T. GRCh37 (hg19) VCF-style: chr5-176696724-C-T.
Other names: c.4552C>T, p.Gln1518Ter (NM_001365684.2, NM_001409308.1, NM_001409309.1 and 1 more transcripts); c.5425C>T, p.Gln1809Ter (NM_001409301.1, NM_001409302.1, NM_001409303.1); c.5005C>T, p.Gln1669Ter (NM_001409304.1); c.4672C>T, p.Gln1558Ter (NM_001409305.1); c.4663C>T, p.Gln1555Ter (NM_001409306.1, NM_001409307.1); short protein forms Q1809*, Q1540*, Q1555*, Q1558*, Q1669*, Q1518*.
Identifiers: ClinVar variation 159368 (VCV000159368.9), dbSNP rs587784147, ClinGen allele CA294957.
Genomic context (GRCh38, chr5:177,269,723, plus strand): 5'-CATGATGTGGGAGAGTTCCCAGTCCTCTTTTTTGGATCTAATGACTATTTGTGGACTCAC[C>T]AGGCCCGAGTCTTCCCTTACATGGAGGGTGACGTGAGCAGCAAGGATAAGATGGGCAAAG-3'

ClinVar aggregate classification (germline): Pathogenic. Review status: criteria provided, multiple submitters, no conflicts (2 of 4 stars). 2 submissions from 2 submitters: Pathogenic (2). Last evaluated 2024-10-02.

Conditions:
Sotos syndrome (SOTOS). Also called: Distinctive facial appearance, overgrowth in childhood, and learning disabilities or delayed development; CEREBRAL GIGANTISM; Sotos' syndrome; CHROMOSOME 5q35 DELETION SYNDROME; SOTOS SYNDROME 1. Identifiers: Orphanet 821, MedGen C0175695, MONDO:0019349, OMIM 117550.

Submissions (2):

Labcorp Genetics (formerly Invitae), Labcorp
Classification: Pathogenic. Last evaluated: 2024-10-02. Review status: criteria provided, single submitter. Criteria: Invitae Variant Classification Sherloc (09022015). Collection method: clinical testing. Allele origin: germline.
Comment: This sequence change creates a premature translational stop signal (p.Gln1809*) in the NSD1 gene. It is expected to result in an absent or disrupted protein product. Loss-of-function variants in NSD1 are known to be pathogenic (PMID: 12464997, 14571271, 15942875, 16247291). This variant is not present in population databases (gnomAD no frequency). This variant has not been reported in the literature in individuals affected with NSD1-related conditions. ClinVar contains an entry for this variant (Variation ID: 159368). For these reasons, this variant has been classified as Pathogenic.

Genetic Services Laboratory, University of Chicago
Classification: Pathogenic for Sotos syndrome 1. Last evaluated: 2013-02-08. Review status: criteria provided, single submitter. Criteria: ACMG Guidelines, 2007. Collection method: clinical testing. Allele origin: germline. Inheritance: Autosomal dominant inheritance. Affected: yes.

Literature cited by the submitters: PubMed 12464997 (cited by Labcorp Genetics (formerly Invitae), Labcorp); PubMed 14571271 (cited by Labcorp Genetics (formerly Invitae), Labcorp); PubMed 15942875 (cited by Labcorp Genetics (formerly Invitae), Labcorp); PubMed 16247291 (cited by Labcorp Genetics (formerly Invitae), Labcorp).